The following is an entry in ClinVar:

NM_004304.5(ALK):c.116A>C (p.Gln39Pro)

Gene: ALK (ALK receptor tyrosine kinase; minus strand). Cytogenetic location: 2p23.1.
Variant type: single nucleotide variant.
Coding change: c.116A>C on transcript NM_004304.5 (MANE Select); coding-DNA position 116, A replaced by C.
Protein change: p.Gln39Pro; replaces glutamine 39 with proline.
Molecular consequence: missense variant.
Genome position (GRCh38, 1-based): chr2:29,920,544, T>G on the plus strand (A>C on the coding strand, the complement: ALK is on the minus strand). VCF-style: chr2-29920544-T-G. GRCh37 (hg19) VCF-style: chr2-30143410-T-G.
Other names: c.116A>C (NM_004304.4); short protein forms Q39P.
Identifiers: ClinVar variation 2096912 (VCV002096912.5), dbSNP rs1667967646, ClinGen allele CA346590667.

ClinVar aggregate classification (germline): Uncertain significance. Review status: criteria provided, multiple submitters, no conflicts (2 of 4 stars). 2 submissions from 2 submitters: Uncertain significance (2). Last evaluated 2025-08-16.

Conditions:
Hereditary cancer-predisposing syndrome. Also called: Tumor predisposition; Neoplastic Syndromes, Hereditary; Hereditary neoplastic syndrome; Hereditary Cancer Syndrome. Identifiers: Orphanet 140162, MedGen C0027672, MeSH D009386, MONDO:0015356.
Neuroblastoma, susceptibility to, 3. Also called: ALK-Related Neuroblastic Tumor Susceptibility. Identifiers: Orphanet 635, MedGen C2751681, MONDO:0013083, OMIM 613014.

Allele frequency attached by ClinVar (database versions not stated): gnomAD 0.00001.
gnomAD v4.1: 1 of 1,606,956 alleles (0.000062%); highest among the groups gnomAD compares: Non-Finnish European, 0.000085%; no homozygotes.

Submissions (2):

Labcorp Genetics (formerly Invitae), Labcorp
Classification: Uncertain significance for Neuroblastoma, susceptibility to, 3. Last evaluated: 2025-08-16. Review status: criteria provided, single submitter. Criteria: Invitae Variant Classification Sherloc (09022015). Collection method: clinical testing. Allele origin: germline.
Comment: This sequence change replaces glutamine, which is neutral and polar, with proline, which is neutral and non-polar, at codon 39 of the ALK protein (p.Gln39Pro). This variant is not present in population databases (gnomAD no frequency). This variant has not been reported in the literature in individuals affected with ALK-related conditions. ClinVar contains an entry for this variant (Variation ID: 2096912). An algorithm developed to predict the effect of missense changes on protein structure and function (PolyPhen-2) suggests that this variant is likely to be disruptive. In summary, the available evidence is currently insufficient to determine the role of this variant in disease. Therefore, it has been classified as a Variant of Uncertain Significance.

Ambry Genetics
Classification: Uncertain significance for Hereditary cancer-predisposing syndrome. Last evaluated: 2025-03-27. Review status: criteria provided, single submitter. Criteria: Ambry Variant Classification Scheme 2023. Collection method: clinical testing. Allele origin: germline.
Comment: The p.Q39P variant (also known as c.116A>C), located in coding exon 1 of the ALK gene, results from an A to C substitution at nucleotide position 116. The glutamine at codon 39 is replaced by proline, an amino acid with similar properties. This amino acid position is well conserved in available vertebrate species. In addition, the in silico prediction for this alteration is inconclusive. Based on the available evidence, the clinical significance of this variant remains unclear.